The following is an entry in ClinVar:

NM_178140.4(PDZD2):c.567C>T (p.Gly189=)

Gene: PDZD2 (PDZ domain containing 2; plus strand). Cytogenetic location: 5p13.3.
Variant type: single nucleotide variant.
Coding change: c.567C>T on transcript NM_178140.4 (MANE Select); coding-DNA position 567, C replaced by T.
Protein change: p.Gly189=; no amino-acid change (glycine 189 retained).
Molecular consequence: synonymous variant.
Genome position (GRCh38, 1-based): chr5:31,983,245, C>T. VCF-style: chr5-31983245-C-T. GRCh37 (hg19) VCF-style: chr5-31983351-C-T.
Identifiers: ClinVar variation 2637315 (VCV002637315.3), dbSNP rs758864036, ClinGen allele CA3218627.

ClinVar aggregate classification (germline): Likely benign (0 of 4 stars; one submission).

Conditions:
PDZD2-related disorder. Also called: PDZD2-related condition.

Allele frequency attached by ClinVar (database versions not stated): gnomAD exomes 0.00001; ExAC 0.00002.
gnomAD v4.1: 22 of 1,614,168 alleles (0.0014%); highest among the groups gnomAD compares: Admixed American, 0.0017%; no homozygotes.

Submission:

PreventionGenetics, part of Exact Sciences
Classification: Likely benign for PDZD2-related condition. Last evaluated: 2023-10-26. Review status: no assertion criteria provided. Collection method: clinical testing. Allele origin: germline.
Comment: This variant is classified as likely benign based on ACMG/AMP sequence variant interpretation guidelines (Richards et al. 2015 PMID: 25741868, with internal and published modifications).